The following is an entry in ClinVar:

Conditions:
Complex neurodevelopmental disorder. Identifiers: Orphanet 528084, MedGen C5568766, MONDO:0100038.

Submission:

Channelopathy-Associated Epilepsy Research Center
No classification provided (evidence only). Condition: Complex neurodevelopmental disorder. Review status: no classification provided. Collection method: literature only. Allele origin: not applicable. Functional consequence: Severe decrease in peak current, Moderate hyperpolarizing shift of voltage dependence of activation, Normal slope of activation, Severe hyperpolarizing shift of voltage dependence of fast inactivation, Decrease in slope of fast inactivation, Normal fast inactivation.
ClinVar note: "not provided" was previously submitted as the classification for the variant. However, the classification appeared to be based only on an observation of functional data so it was converted to no classification on 2025-07-30.

Literature cited by the submitters: PubMed 37578743.

NM_001040142.2(SCN2A):c.5274T>G (p.Ser1758Arg)

Gene: SCN2A (sodium voltage-gated channel alpha subunit 2; plus strand). Cytogenetic location: 2q24.3.
Variant type: single nucleotide variant.
Coding change: c.5274T>G on transcript NM_001040142.2 (MANE Select); coding-DNA position 5274, T replaced by G.
Protein change: p.Ser1758Arg; replaces serine 1758 with arginine.
Molecular consequence: missense variant.
Genome position (GRCh38, 1-based): chr2:165,389,080, T>G. VCF-style: chr2-165389080-T-G. GRCh37 (hg19) VCF-style: chr2-166245590-T-G.
Other names: c.5274T>G, p.Ser1758Arg (NM_001040143.2, NM_001371246.1, NM_001371247.1 and 1 more transcripts); short protein forms S1758R.
Identifiers: ClinVar variation 2687769 (VCV002687769.2), dbSNP rs1553463586, ClinGen allele CA349038599.